The following is an entry in ClinVar:

ClinVar aggregate classification (germline): Likely benign. Review status: criteria provided, multiple submitters, no conflicts (2 of 4 stars). 4 submissions from 4 submitters: Likely benign (3). 1 of the submissions does not count toward it. Last evaluated 2025-12-10.

Conditions:
Myopathy. Identifiers: MedGen C0026848, MeSH D009135, MONDO:0005336, HP:0003198.
RYR1-related disorder. Also called: RYR1-related disorders; RYR1-related condition. Identifiers: MedGen CN239331.
Malignant hyperthermia, susceptibility to, 1 (MHS1). Also called: RYR1-Related Malignant Hyperthermia Susceptibility; Anesthesia related hyperthermia; Malignant hyperpyrexia; Fulminating hyperpyrexia; Pharmacogenic myopathy; Malignant hyperthermia suceptibility 1. Identifiers: Orphanet 423, MedGen C2930980, MONDO:0007783, OMIM 145600.

Allele frequency attached by ClinVar (database versions not stated): TOPMed 0.00004; gnomAD 0.00005; gnomAD exomes 0.00006 and 0.00007; ExAC 0.00008; ESP Exome Variant Server 0.00008.
gnomAD v4.1: 99 of 1,613,944 alleles (0.0061%); highest among the groups gnomAD compares: Non-Finnish European, 0.0075%; no homozygotes.

Submissions (4):

Labcorp Genetics (formerly Invitae), Labcorp
Classification: Likely benign for RYR1-related disorder. Last evaluated: 2025-12-10. Review status: criteria provided, single submitter. Criteria: Invitae Variant Classification Sherloc (09022015). Collection method: clinical testing. Allele origin: germline.

All of Us Research Program, National Institutes of Health
Classification: Likely benign for Malignant hyperthermia, susceptibility to, 1. Last evaluated: 2024-02-05. Review status: criteria provided, single submitter. Criteria: ACMG Guidelines, 2015. Collection method: clinical testing. Allele origin: germline. Inheritance: Autosomal dominant inheritance. Observed: 16 variant alleles, 16 heterozygotes.
Comment: This study involves interpretation of variants in research participants for the purpose of population health screening. Participant phenotype was not available at the time of variant classification. Additional details can be found in publication PMID: 35346344, PMCID: PMC8962531

Color Diagnostics, LLC DBA Color Health
Classification: Likely benign for Malignant hyperthermia, susceptibility to, 1. Last evaluated: 2022-11-06. Review status: criteria provided, single submitter. Criteria: ACMG Guidelines, 2015. Collection method: clinical testing. Allele origin: germline.

Institute of Human Genetics, University of Wuerzburg
Classification: Uncertain significance for Myopathy. Review status: no assertion criteria provided. Collection method: clinical testing. Allele origin: unknown. Not counted in ClinVar's aggregate classification.

NM_000540.3(RYR1):c.396C>T (p.Phe132=)

Gene: RYR1 (ryanodine receptor 1; plus strand). Cytogenetic location: 19q13.2.
Variant type: single nucleotide variant.
Coding change: c.396C>T on transcript NM_000540.3 (MANE Select); coding-DNA position 396, C replaced by T.
Protein change: p.Phe132=; no amino-acid change (phenylalanine 132 retained).
Molecular consequence: synonymous variant.
Genome position (GRCh38, 1-based): chr19:38,443,768, C>T. VCF-style: chr19-38443768-C-T. GRCh37 (hg19) VCF-style: chr19-38934408-C-T.
Other names: c.396C>T, p.Phe132= (NM_001042723.2).
Identifiers: ClinVar variation 689565 (VCV000689565.12), dbSNP rs376494617, ClinGen allele CA065425.